The following is an entry in ClinVar:

NM_152703.5(SAMD9L):c.3386G>C (p.Ser1129Thr)

Gene: SAMD9L (sterile alpha motif domain containing 9 like; minus strand). Cytogenetic location: 7q21.2.
Variant type: single nucleotide variant.
Coding change: c.3386G>C on transcript NM_152703.5 (MANE Select); coding-DNA position 3386, G replaced by C.
Protein change: p.Ser1129Thr; replaces serine 1129 with threonine.
Molecular consequence: missense variant.
Genome position (GRCh38, 1-based): chr7:93,132,586, C>G on the plus strand (G>C on the coding strand, the complement: SAMD9L is on the minus strand). VCF-style: chr7-93132586-C-G. GRCh37 (hg19) VCF-style: chr7-92761899-C-G.
Other names: c.3386G>C, p.Ser1129Thr (NM_001303496.3, NM_001303497.3, NM_001303498.3 and 5 more transcripts); short protein forms S1129T.
Identifiers: ClinVar variation 3949935 (VCV003949935.1).

ClinVar aggregate classification (germline): Uncertain significance (1 of 4 stars; one submission).

Conditions:
Inborn genetic diseases. Identifiers: MedGen C0950123, MeSH D030342.

Submission:

Ambry Genetics
Classification: Uncertain significance for Inborn genetic diseases. Last evaluated: 2025-05-18. Review status: criteria provided, single submitter. Criteria: Ambry Variant Classification Scheme 2023. Collection method: clinical testing. Allele origin: germline.
Comment: The p.S1129T variant (also known as c.3386G>C), located in coding exon 1 of the SAMD9L gene, results from a G to C substitution at nucleotide position 3386. The serine at codon 1129 is replaced by threonine, an amino acid with similar properties. This amino acid position is conserved. In addition, this alteration is predicted to be tolerated by in silico analysis. Based on the available evidence, the clinical significance of this variant remains unclear.